The following is an entry in ClinVar:

ClinVar aggregate classification (germline): Likely benign (1 of 4 stars; one submission).

Conditions:
DRAM2-related disorder. Also called: DRAM2-related condition.

gnomAD v4.1: 18 of 1,603,440 alleles (0.0011%); highest among the groups gnomAD compares: African/African-American, 0.015%; no homozygotes.

Submission:

PreventionGenetics, part of Exact Sciences
Classification: Likely benign for DRAM2-related condition. Last evaluated: 2026-04-23. Review status: criteria provided, single submitter. Criteria: ACMG Guidelines, 2015. Collection method: clinical testing. Allele origin: germline.
Comment: This variant is classified as likely benign based on ACMG/AMP sequence variant interpretation guidelines (Richards et al. 2015 PMID: 25741868, with internal and published modifications).

NM_001349884.2(DRAM2):c.*10A>T

Gene: DRAM2 (DNA damage regulated autophagy modulator 2; minus strand). Cytogenetic location: 1p13.3.
Variant type: single nucleotide variant.
Coding change: c.*10A>T on transcript NM_001349884.2 (MANE Select); 10 bases downstream of the stop codon, A replaced by T.
Molecular consequence: 3 prime UTR variant. On other transcripts: non-coding transcript variant (8).
Genome position (GRCh38, 1-based): chr1:111,118,150, T>A on the plus strand (A>T on the coding strand, the complement: DRAM2 is on the minus strand). VCF-style: chr1-111118150-T-A. GRCh37 (hg19) VCF-style: chr1-111660772-T-A.
Other names: c.*10A>T (NM_001349881.2, NM_001349882.2, NM_001349885.2 and 9 more transcripts).
Identifiers: ClinVar variation 4980861 (VCV004980861.1).
Genomic context (GRCh38, chr1:111,118,150, plus strand): 5'-AAGCAACTTCTGTGAACCTTTCCCCAATCCCTGAGAATCATAATCATTACAGAAATATTT[T>A]ATCCTTTCATCAAATATCTCTGGAAAGTAGCCGTGTTCGTTCATTGTTAATAGGGCAAGG-3'